The following is an entry in ClinVar:

NM_170699.3(GPBAR1):c.686C>T (p.Ala229Val)

Gene: GPBAR1 (G protein-coupled bile acid receptor 1; plus strand). Cytogenetic location: 2q35.
Variant type: single nucleotide variant.
Coding change: c.686C>T on transcript NM_170699.3 (MANE Select); coding-DNA position 686, C replaced by T.
Protein change: p.Ala229Val; replaces alanine 229 with valine.
Molecular consequence: missense variant.
Genome position (GRCh38, 1-based): chr2:218,263,410, C>T. VCF-style: chr2-218263410-C-T. GRCh37 (hg19) VCF-style: chr2-219128133-C-T.
Other names: c.686C>T, p.Ala229Val (NM_001077191.2, NM_001077194.2, NM_001321950.2); short protein forms A229V.
Identifiers: ClinVar variation 2634898 (VCV002634898.1), dbSNP rs958463098, ClinGen allele CA65740863.

ClinVar aggregate classification (germline): Uncertain significance (1 of 4 stars; one submission).

Conditions:
GPBAR1-related disorder. Also called: GPBAR1-related condition.

Allele frequency attached by ClinVar (database versions not stated): gnomAD exomes below 0.00001; TOPMed below 0.00001.

Submission:

PreventionGenetics, part of Exact Sciences
Classification: Uncertain significance for GPBAR1-related condition. Last evaluated: 2023-01-04. Review status: criteria provided, single submitter. Criteria: ACMG Guidelines, 2015. Collection method: clinical testing. Allele origin: germline.
Comment: The GPBAR1 c.686C>T variant is predicted to result in the amino acid substitution p.Ala229Val. To our knowledge, this variant has not been reported in the literature or in a large population database, indicating this variant is rare. At this time, the clinical significance of this variant is uncertain due to the absence of conclusive functional and genetic evidence.